The following is an entry in ClinVar:

NM_001012339.3(DNAJC21):c.1097T>C (p.Leu366Ser)

Gene: DNAJC21 (DnaJ heat shock protein family (Hsp40) member C21; plus strand). Cytogenetic location: 5p13.2.
Variant type: single nucleotide variant.
Coding change: c.1097T>C on transcript NM_001012339.3 (MANE Select); coding-DNA position 1097, T replaced by C.
Protein change: p.Leu366Ser; replaces leucine 366 with serine.
Molecular consequence: missense variant.
Genome position (GRCh38, 1-based): chr5:34,944,980, T>C. VCF-style: chr5-34944980-T-C. GRCh37 (hg19) VCF-style: chr5-34945085-T-C.
Other names: c.1097T>C, p.Leu366Ser (NM_001348420.2, NM_194283.4); c.1097T>C (NM_194283.3); short protein forms L366S.
Identifiers: ClinVar variation 1447284 (VCV001447284.5), dbSNP rs771996525, ClinGen allele CA3228694.

ClinVar aggregate classification (germline): Uncertain significance. Review status: criteria provided, multiple submitters, no conflicts (2 of 4 stars). 2 submissions from 2 submitters: Uncertain significance (2). Last evaluated 2025-04-23.

Conditions:
Inborn genetic diseases. Identifiers: MedGen C0950123, MeSH D030342.

Allele frequency attached by ClinVar (database versions not stated): TOPMed 0.00001; gnomAD 0.00002; gnomAD exomes 0.00003 and 0.00004; ExAC 0.00004.
gnomAD v4.1: 57 of 1,613,854 alleles (0.0035%); highest among the groups gnomAD compares: Non-Finnish European, 0.004%; no homozygotes.

Submissions (2):

Labcorp Genetics (formerly Invitae), Labcorp
Classification: Uncertain significance. Last evaluated: 2025-04-23. Review status: criteria provided, single submitter. Criteria: Invitae Variant Classification Sherloc (09022015). Collection method: clinical testing. Allele origin: germline.
Comment: This sequence change replaces leucine, which is neutral and non-polar, with serine, which is neutral and polar, at codon 366 of the DNAJC21 protein (p.Leu366Ser). This variant is present in population databases (rs771996525, gnomAD 0.007%). This variant has not been reported in the literature in individuals affected with DNAJC21-related conditions. ClinVar contains an entry for this variant (Variation ID: 1447284). An algorithm developed to predict the effect of missense changes on protein structure and function (PolyPhen-2) suggests that this variant is likely to be tolerated. In summary, the available evidence is currently insufficient to determine the role of this variant in disease. Therefore, it has been classified as a Variant of Uncertain Significance.

Ambry Genetics
Classification: Uncertain significance for Inborn genetic diseases. Last evaluated: 2024-11-23. Review status: criteria provided, single submitter. Criteria: Ambry Variant Classification Scheme 2023. Collection method: clinical testing. Allele origin: germline.